The following is an entry in ClinVar:

ClinVar aggregate classification (germline): Likely benign (1 of 4 stars; one submission).

gnomAD v4.1: 79 of 519,902 alleles (0.015%); highest among the groups gnomAD compares: Admixed American, 0.2%; 1 homozygote.

Submission:

CeGaT Center for Human Genetics Tuebingen
Classification: Likely benign. Last evaluated: 2026-09-01. Review status: criteria provided, single submitter. Criteria: CeGaT Center For Human Genetics Tuebingen Variant Classification Criteria Version 2. Collection method: clinical testing. Allele origin: germline. Affected: yes. Observed: 1 variant allele.
Comment: VMA21: BP4, BS2

NM_001363810.1(VMA21):c.148G>C (p.Gly50Arg)

Gene: VMA21 (vacuolar ATPase assembly factor VMA21; plus strand). Cytogenetic location: Xq28.
Variant type: single nucleotide variant.
Coding change: c.148G>C on transcript NM_001363810.1; coding-DNA position 148, G replaced by C.
Protein change: p.Gly50Arg; replaces glycine 50 with arginine.
Molecular consequence: missense variant.
Genome position (GRCh38, 1-based): chrX:151,396,987, G>C. VCF-style: chrX-151396987-G-C. GRCh37 (hg19) VCF-style: chrX-150565459-G-C.
Other names: short protein forms G50R.
Identifiers: ClinVar variation 5041390 (VCV005041390.1).
Genomic context (GRCh38, chrX:151,396,987, plus strand): 5'-CGCCGCCCGCCCAGGAGGACCATGTTGCGCGGCAAGTCCCGGCTCAACGTGGAGTGGCTG[G>C]GCTACTCGCCAGGCCTGCTCCTCGAGCACAGGCCCCTCCTGGCAGGGCGCACGCCGCGGA-3'